The following is an entry in ClinVar:

ClinVar aggregate classification (germline): Uncertain significance. Review status: criteria provided, multiple submitters, no conflicts (2 of 4 stars). 3 submissions from 3 submitters: Uncertain significance (3). Last evaluated 2026-06-11.

Conditions:
Inborn genetic diseases. Identifiers: MedGen C0950123, MeSH D030342.

Allele frequency attached by ClinVar (database versions not stated): gnomAD exomes 0.00001; gnomAD 0.00005; TOPMed 0.00006.
gnomAD v4.1: 21 of 1,613,944 alleles (0.0013%); highest among the groups gnomAD compares: Admixed American, 0.01%; no homozygotes.

Submissions (3):

GeneDx
Classification: Uncertain significance. Last evaluated: 2026-06-11. Review status: criteria provided, single submitter. Criteria: GeneDx Variant Classification Process June 2021. Collection method: clinical testing. Allele origin: germline.
Comment: In silico analysis indicates that this missense variant does not alter protein structure/function; Has not been previously published as pathogenic or benign to our knowledge

Ambry Genetics
Classification: Uncertain significance for Inborn genetic diseases. Last evaluated: 2025-09-25. Review status: criteria provided, single submitter. Criteria: Ambry Variant Classification Scheme 2023. Collection method: clinical testing. Allele origin: germline.

CeGaT Center for Human Genetics Tuebingen
Classification: Uncertain significance. Last evaluated: 2021-08-01. Review status: criteria provided, single submitter. Criteria: CeGaT Center For Human Genetics Tuebingen Variant Classification Criteria Version 2. Collection method: clinical testing. Allele origin: germline. Affected: yes. Observed: 1 variant allele.

NM_006545.5(NPRL2):c.880G>A (p.Val294Met)

Gene: NPRL2 (NPR2 like, GATOR1 complex subunit; minus strand). Cytogenetic location: 3p21.31.
Variant type: single nucleotide variant.
Coding change: c.880G>A on transcript NM_006545.5 (MANE Select); coding-DNA position 880, G replaced by A.
Protein change: p.Val294Met; replaces valine 294 with methionine.
Molecular consequence: missense variant.
Genome position (GRCh38, 1-based): chr3:50,348,176, C>T on the plus strand (G>A on the coding strand, the complement: NPRL2 is on the minus strand). VCF-style: chr3-50348176-C-T. GRCh37 (hg19) VCF-style: chr3-50385607-C-T.
Other names: c.880G>A (NM_006545.4); short protein forms V294M.
Identifiers: ClinVar variation 1298917 (VCV001298917.38), dbSNP rs938003255, ClinGen allele CA74636885.